The following is an entry in ClinVar:

NM_001267550.2(TTN):c.25723G>A (p.Gly8575Arg)

Gene: TTN (titin; minus strand). Cytogenetic location: 2q31.2.
Variant type: single nucleotide variant.
Coding change: c.25723G>A on transcript NM_001267550.2 (MANE Select); coding-DNA position 25723, G replaced by A.
Protein change: p.Gly8575Arg; replaces glycine 8575 with arginine.
Molecular consequence: missense variant. On other transcripts: intron variant (3).
Genome position (GRCh38, 1-based): chr2:178,715,691, C>T on the plus strand (G>A on the coding strand, the complement: TTN is on the minus strand). VCF-style: chr2-178715691-C-T. GRCh37 (hg19) VCF-style: chr2-179580418-C-T.
Other names: c.21991G>A, p.Gly7331Arg (NM_133378.4); c.24772G>A, p.Gly8258Arg (NM_001256850.1); c.13282+22391G>A (NM_003319.4); c.13858+22391G>A (NM_133437.4); c.13657+22391G>A (NM_133432.3); short protein forms G8575R, G7331R, G8258R.
Identifiers: ClinVar variation 46767 (VCV000046767.6), dbSNP rs397517517, ClinGen allele CA139154.

ClinVar aggregate classification (germline): Uncertain significance. Review status: criteria provided, multiple submitters, no conflicts (2 of 4 stars). 3 submissions from 3 submitters: Uncertain significance (3). Last evaluated 2025-07-30.

Allele frequency attached by ClinVar (database versions not stated): gnomAD exomes 0.00001; ExAC 0.00002; gnomAD 0.00002; TOPMed 0.00002.
gnomAD v4.1: 16 of 1,610,440 alleles (0.00099%); highest among the groups gnomAD compares: Admixed American, 0.0034%; no homozygotes.

Submissions (3):

Women's Health and Genetics/Laboratory Corporation of America, LabCorp
Classification: Uncertain significance. Last evaluated: 2025-07-30. Review status: criteria provided, single submitter. Criteria: LabCorp Variant Classification Summary - May 2015. Collection method: clinical testing. Allele origin: germline.
Comment: Variant summary: TTN c.21991G>A (p.Gly7331Arg) results in a non-conservative amino acid change located in the I-band region of the encoded protein sequence. Algorithms developed to predict the effect of missense changes on protein structure and function all suggest that this variant is likely to be disruptive. The variant allele was found at a frequency of 8.3e-06 in 242326 control chromosomes (gnomAD). The available data on variant occurrences in the general population are insufficient to allow any conclusion about variant significance. c.21991G>A has been observed in individual(s) affected with Dilated Cardiomyopathy (Haas_2015) and in individuals without phenotype details provided (Elfatih_2024). These reports do not provide unequivocal conclusions about association of the variant with Dilated Cardiomyopathy. To our knowledge, no experimental evidence demonstrating an impact on protein function has been reported. The following publications have been ascertained in the context of this evaluation (PMID: 25163546, 39020067). ClinVar contains an entry for this variant (Variation ID: 46767). Based on the evidence outlined above, the variant was classified as uncertain significance.

AiLife Diagnostics
Classification: Uncertain significance. Last evaluated: 2021-10-12. Review status: criteria provided, single submitter. Criteria: ACMG Guidelines, 2015. Collection method: clinical testing. Allele origin: germline. Affected: yes. Observed: 1 variant allele.

Laboratory for Molecular Medicine, Mass General Brigham Personalized Medicine
Classification: Uncertain significance. Last evaluated: 2017-05-22. Review status: criteria provided, single submitter. Criteria: LMM Criteria. Collection method: clinical testing. Allele origin: germline. Observed: 3 variant alleles.
Comment: This variant has been identified i n 1/107914 European chromosomes by the genome Aggregation Database (gnomAD; dbSNP rs397517517). Computational prediction tool s and conservation analysis suggest that the p.Gly7331Arg variant may impact the protein, though this information is not predictive enough to determine pathogen icity. In summary, the clinical significance of the p.Gly7331Arg variant is unce rtain.

Literature cited by the submitters: PubMed 25163546 (cited by 3 submitters); PubMed 39020067 (cited by Women's Health and Genetics/Laboratory Corporation of America, LabCorp).